The following is an entry in ClinVar:

ClinVar aggregate classification (germline): Conflicting classifications of pathogenicity. Review status: criteria provided, conflicting classifications (1 of 4 stars). 7 submissions from 7 submitters: Uncertain significance (4); Likely benign (3). Last evaluated 2026-01-31.

Conditions:
Noonan syndrome and Noonan-related syndrome. Identifiers: Orphanet 98733, MedGen C5681679, MONDO:0020297.
RASopathy. Also called: rasopathies; Noonan spectrum disorder. Identifiers: Orphanet 536391, MedGen C5555857, MONDO:0021060.
CBL-related disorder. Also called: CBL MUTATION-ASSOCIATED SYNDROME; CBL SYNDROME; NOONAN SYNDROME-LIKE DISORDER WITHOUT JUVENILE MYELOMONOCYTIC LEUKEMIA. Identifiers: Orphanet 363972, MedGen C3150803, MONDO:0013308, OMIM 613563.

Allele frequency attached by ClinVar (database versions not stated): gnomAD 0.00006; ExAC 0.00008; 1000 Genomes Project 30x 0.00031; 1000 Genomes Project 0.00040.
gnomAD v4.1: 78 of 1,614,178 alleles (0.0048%); highest among the groups gnomAD compares: Admixed American, 0.018%; no homozygotes.

Submissions (7):

Labcorp Genetics (formerly Invitae), Labcorp
Classification: Likely benign for RASopathy. Last evaluated: 2026-01-31. Review status: criteria provided, single submitter. Criteria: Invitae Variant Classification Sherloc (09022015). Collection method: clinical testing. Allele origin: germline.

Women's Health and Genetics/Laboratory Corporation of America, LabCorp
Classification: Likely benign. Last evaluated: 2025-12-30. Review status: criteria provided, single submitter. Criteria: LabCorp Variant Classification Summary - May 2015. Collection method: clinical testing. Allele origin: germline.
Comment: Variant summary: CBL c.1753C>T (p.Arg585Cys) results in a non-conservative amino acid change in the encoded protein sequence. Algorithms developed to predict the effect of missense changes on protein structure and function all suggest that this variant is likely to be disruptive. The variant allele was found at a frequency of 8e-05 in 251432 control chromosomes. The observed variant frequency exceeds the estimated maximal expected allele frequency for disease-causing variants in CBL. To our knowledge, no occurrence of c.1753C>T in individuals affected with CBL-related conditions and no experimental evidence demonstrating its impact on protein function have been reported. ClinVar contains an entry for this variant (Variation ID: 543991). Based on the evidence outlined above, the variant was classified as likely benign.

Blueprint Genetics
Classification: Likely benign. Last evaluated: 2024-02-12. Review status: criteria provided, single submitter. Criteria: ACMG Guidelines, 2015. Collection method: clinical testing. Allele origin: germline.

St. Jude Molecular Pathology, St. Jude Children's Research Hospital
Classification: Uncertain significance for CBL-related disorder. Last evaluated: 2023-06-20. Review status: criteria provided, single submitter. Criteria: St. Jude Assertion Criteria 2020. Collection method: clinical testing. Allele origin: germline.
Comment: The CBL c.1753C>T (p.Arg585Cys) missense change has a maximum subpopulation frequency of 0.014% in gnomAD v2.1.1. The in silico tool REVEL is inconclusive about a pathogenic or benign effect of this variant on protein function, and to our knowledge functional studies have not been performed. A variant affecting the same residue, p.R585L, has been reported in an individual with neonatal hypertrophic cardiomyopathy who also harbored a pathogenic variant in the PTPN11 gene (PMID: 25731833). To our knowledge, this variant has not been reported in individuals with juvenile myelomonocytic leukemia. In summary, the evidence currently available is insufficient to determine the clinical significance of this variant. It has therefore been classified as of uncertain significance.

Revvity Omics, Revvity
Classification: Uncertain significance. Last evaluated: 2019-09-03. Review status: criteria provided, single submitter. Criteria: ACMG Guidelines, 2015. Collection method: clinical testing. Allele origin: germline.

Genetic Services Laboratory, University of Chicago
Classification: Uncertain significance. Last evaluated: 2019-02-22. Review status: criteria provided, single submitter. Criteria: ACMG Guidelines, 2015. Collection method: clinical testing. Allele origin: germline. Affected: no.

Genome Diagnostics Laboratory, The Hospital for Sick Children
Classification: Uncertain significance for Noonan syndrome and Noonan-related syndrome. Last evaluated: 2017-08-23. Review status: criteria provided, single submitter. Criteria: ACMG Guidelines, 2015. Collection method: clinical testing. Allele origin: germline.

NM_005188.4(CBL):c.1753C>T (p.Arg585Cys)

Gene: CBL (Cbl proto-oncogene; plus strand). Cytogenetic location: 11q23.3.
Variant type: single nucleotide variant.
Coding change: c.1753C>T on transcript NM_005188.4 (MANE Select); coding-DNA position 1753, C replaced by T.
Protein change: p.Arg585Cys; replaces arginine 585 with cysteine.
Molecular consequence: missense variant.
Genome position (GRCh38, 1-based): chr11:119,285,378, C>T. VCF-style: chr11-119285378-C-T. GRCh37 (hg19) VCF-style: chr11-119156088-C-T.
Other names: short protein forms R585C.
Identifiers: ClinVar variation 543991 (VCV000543991.23), dbSNP rs187952822, ClinGen allele CA6318601.